The following is an entry in ClinVar:

NM_025114.4(CEP290):c.6668T>G (p.Leu2223Ter)

Gene: CEP290 (centrosomal protein 290; minus strand). Cytogenetic location: 12q21.32.
Variant type: single nucleotide variant.
Coding change: c.6668T>G on transcript NM_025114.4 (MANE Select); coding-DNA position 6668, T replaced by G.
Protein change: p.Leu2223Ter; replaces leucine 2223 with a stop codon.
Molecular consequence: nonsense.
Genome position (GRCh38, 1-based): chr12:88,058,998, A>C on the plus strand (T>G on the coding strand, the complement: CEP290 is on the minus strand). VCF-style: chr12-88058998-A-C. GRCh37 (hg19) VCF-style: chr12-88452775-A-C.
Other names: short protein forms L2223*.
Identifiers: ClinVar variation 5015823 (VCV005015823.1).

ClinVar aggregate classification (germline): Pathogenic (1 of 4 stars; one submission).

Conditions:
CEP290-related ciliopathy. Also called: CEP290 ciliopathy. Identifiers: MedGen CN305601, MONDO:0100451.

gnomAD v4.1: 1 of 1,611,428 alleles (0.000062%); highest among the groups gnomAD compares: Non-Finnish European, 0.000085%; no homozygotes.

Submission:

Myriad Genetics, Inc.
Classification: Pathogenic for CEP290-related ciliopathy. Last evaluated: 2026-04-23. Review status: criteria provided, single submitter. Criteria: Myriad Autosomal Dominant, Autosomal Recessive and X-Linked Classification Criteria (2023). Collection method: clinical testing. Allele origin: unknown.
Comment: NM_025114.3(CEP290):c.6668T>G(L2223*) is expected to be pathogenic in the context of CEP290-related disorders. This variant is predicted to lead to an abnormal or absent protein product due to the creation of a premature termination codon in CEP290, a gene where loss-of-function variants are known to be pathogenic. Please note: this variant was assessed in the context of healthy population screening.